The following is an entry in ClinVar:

ClinVar aggregate classification (germline): Likely pathogenic (1 of 4 stars; one submission).

Conditions:
Polycystic liver disease 3 with or without kidney cysts. Identifiers: MedGen C4693472, MONDO:0054743, OMIM 617874.

gnomAD v4.1: 1 of 1,614,012 alleles (0.000062%); highest among the groups gnomAD compares: Non-Finnish European, 0.000085%; no homozygotes.

Submission:

CGC Genetics, Unilabs
Classification: Likely pathogenic for Polycystic liver disease 3 with or without kidney cysts. Last evaluated: 2025-07-16. Review status: criteria provided, single submitter. Criteria: ACMG Guidelines, 2015. Collection method: clinical testing. Allele origin: germline. Inheritance: Autosomal dominant inheritance. Affected: yes. Observed: 1 variant allele.
Comment: The NM_024079.5:c.175-2A>G p.? variant, detected in heterozygosity in the ALG8 gene (chr11), has been reported in the literature in a patient with polycystic kidney disease (PMID: 35778421). This variant is not reported in the gnomAD or ClinVar databases. It is located at the canonical splice acceptor site of intron 2 (of 13 exons), and in silico analysis predicts it to cause skipping of exon 3. Based on the currently available evidence, this variant should be classified as likely pathogenic.

Literature cited by the submitters: PubMed 35778421.

NM_024079.5(ALG8):c.175-2A>G

Gene: ALG8 (ALG8 alpha-1,3-glucosyltransferase; minus strand). Cytogenetic location: 11q14.1.
Variant type: single nucleotide variant.
Coding change: c.175-2A>G on transcript NM_024079.5 (MANE Select); the canonical splice acceptor site of the intron before coding-DNA position 175, A replaced by G.
Molecular consequence: splice acceptor variant. On other transcripts: intron variant (1).
Genome position (GRCh38, 1-based): chr11:78,124,216, T>C on the plus strand (A>G on the coding strand, the complement: ALG8 is on the minus strand). VCF-style: chr11-78124216-T-C. GRCh37 (hg19) VCF-style: chr11-77835262-T-C.
Other names: c.-90-2A>G (NM_001425234.1, NM_001425239.1); c.96-124A>G (NM_001425231.1); c.22-2A>G (NM_001425235.1, NM_001425226.1, NM_001425236.1); c.175-2A>G (NM_001425220.1, NM_001425240.1, NM_001425238.1 and 14 more transcripts); c.-338-2A>G (NM_001425241.1); c.-376-2A>G (NM_001425242.1); c.178-2A>G (NM_001425219.1).
Identifiers: ClinVar variation 4851614 (VCV004851614.1).